The following is an entry in ClinVar:

NM_015331.3(NCSTN):c.1274C>A (p.Ser425Tyr)

Gene: NCSTN (nicastrin; plus strand). Cytogenetic location: 1q23.2.
Variant type: single nucleotide variant.
Coding change: c.1274C>A on transcript NM_015331.3 (MANE Select); coding-DNA position 1274, C replaced by A.
Protein change: p.Ser425Tyr; replaces serine 425 with tyrosine.
Molecular consequence: missense variant.
Genome position (GRCh38, 1-based): chr1:160,354,212, C>A. VCF-style: chr1-160354212-C-A. GRCh37 (hg19) VCF-style: chr1-160324002-C-A.
Other names: c.1214C>A, p.Ser405Tyr (NM_001290184.2); c.860C>A, p.Ser287Tyr (NM_001290186.2); c.1274C>A, p.Ser425Tyr (NM_001349729.2); short protein forms S405Y, S425Y, S287Y.
Identifiers: ClinVar variation 2768208 (VCV002768208.3), dbSNP rs2101906525, ClinGen allele CA343281527.

ClinVar aggregate classification (germline): Uncertain significance (1 of 4 stars; one submission).

Submission:

Labcorp Genetics (formerly Invitae), Labcorp
Classification: Uncertain significance. Last evaluated: 2025-04-07. Review status: criteria provided, single submitter. Criteria: Invitae Variant Classification Sherloc (09022015). Collection method: clinical testing. Allele origin: germline.
Comment: This sequence change replaces serine, which is neutral and polar, with tyrosine, which is neutral and polar, at codon 425 of the NCSTN protein (p.Ser425Tyr). This variant is not present in population databases (gnomAD no frequency). This variant has not been reported in the literature in individuals affected with NCSTN-related conditions. ClinVar contains an entry for this variant (Variation ID: 2768208). Invitae Evidence Modeling of protein sequence and biophysical properties (such as structural, functional, and spatial information, amino acid conservation, physicochemical variation, residue mobility, and thermodynamic stability) indicates that this missense variant is expected to disrupt NCSTN protein function with a positive predictive value of 80%. In summary, the available evidence is currently insufficient to determine the role of this variant in disease. Therefore, it has been classified as a Variant of Uncertain Significance.